The following is an entry in ClinVar:

ClinVar aggregate classification (germline): Uncertain significance (1 of 4 stars; one submission).

Allele frequency attached by ClinVar (database versions not stated): gnomAD exomes below 0.00001; TOPMed 0.00001.
gnomAD v4.1: 1 of 1,614,074 alleles (0.000062%); highest among the groups gnomAD compares: East Asian, 0.0022%; no homozygotes.

Submission:

Labcorp Genetics (formerly Invitae), Labcorp
Classification: Uncertain significance. Last evaluated: 2024-01-08. Review status: criteria provided, single submitter. Criteria: Invitae Variant Classification Sherloc (09022015). Collection method: clinical testing. Allele origin: germline.
Comment: This sequence change replaces serine, which is neutral and polar, with asparagine, which is neutral and polar, at codon 124 of the PLA2G5 protein (p.Ser124Asn). This variant is present in population databases (no rsID available, gnomAD 0.01%). This variant has not been reported in the literature in individuals affected with PLA2G5-related conditions. ClinVar contains an entry for this variant (Variation ID: 2101638). An algorithm developed to predict the effect of missense changes on protein structure and function (PolyPhen-2) suggests that this variant is likely to be disruptive. In summary, the available evidence is currently insufficient to determine the role of this variant in disease. Therefore, it has been classified as a Variant of Uncertain Significance.

NM_000929.3(PLA2G5):c.371G>A (p.Ser124Asn)

Gene: PLA2G5 (phospholipase A2 group V; plus strand). Cytogenetic location: 1p36.13.
Variant type: single nucleotide variant.
Coding change: c.371G>A on transcript NM_000929.3 (MANE Select); coding-DNA position 371, G replaced by A.
Protein change: p.Ser124Asn; replaces serine 124 with asparagine.
Molecular consequence: missense variant.
Genome position (GRCh38, 1-based): chr1:20,090,646, G>A. VCF-style: chr1-20090646-G-A. GRCh37 (hg19) VCF-style: chr1-20417139-G-A.
Other names: short protein forms S124N.
Identifiers: ClinVar variation 2101638 (VCV002101638.4), dbSNP rs1416647199, ClinGen allele CA338822997.
Genomic context (GRCh38, chr1:20,090,646, plus strand): 5'-ATGTGAACCTCTGTGCCTGTGACCGGAAGCTCGTCTACTGCCTCAAGAGAAACCTACGGA[G>A]CTACAACCCACAGTACCAATACTTTCCCAACATCCTCTGCTCCTAGGCCTCCCCAGCGAG-3'
Protein context (NP_000920.1, residues 114-134): LVYCLKRNLR[Ser124Asn]YNPQYQYFPN